The following is an entry in ClinVar:

NM_000051.4(ATM):c.5216_5218delinsCCT (p.Asn1739_Ile1740delinsThrPhe)

Gene: ATM (ATM serine/threonine kinase; plus strand). Cytogenetic location: 11q22.3.
Variant type: Indel.
Coding change: c.5216_5218delinsCCT on transcript NM_000051.4 (MANE Select); coding-DNA positions 5216 to 5218, ACA replaced by CCT.
Protein change: p.Asn1739_Ile1740delinsThrPhe.
Molecular consequence: missense variant.
Genome position (GRCh38, 1-based): chr11:108,301,686-108,301,688, ACA replaced by CCT. VCF-style: chr11-108301686-ACA-CCT. GRCh37 (hg19) VCF-style: chr11-108172413-ACA-CCT.
Other names: c.5216_5218delinsCCT, p.Asn1739_Ile1740delinsThrPhe (NM_001351834.2).
Identifiers: ClinVar variation 2568210 (VCV002568210.4), dbSNP rs2546973062, ClinGen allele CA2580615026.
Genomic context (GRCh38, chr11:108,301,686, plus strand): 5'-GCATTTGAATTGTTTTTTTCAGTGTCAAAGTTCGATCAGCAGCTGTTACCTGTTTGAAAA[ACA>CCT]TTTTAGCCACAAAGACTGGACATAGTTTCTGGGAGATTTATAAGATGACAACAGATCCAA-3'

ClinVar aggregate classification (germline): Uncertain significance. Review status: criteria provided, multiple submitters, no conflicts (2 of 4 stars). 2 submissions from 2 submitters: Uncertain significance (2). Last evaluated 2023-12-04.

Conditions:
Hereditary cancer-predisposing syndrome. Also called: Hereditary neoplastic syndrome; Hereditary Cancer Syndrome; Neoplastic Syndromes, Hereditary; Tumor predisposition. Identifiers: Orphanet 140162, MedGen C0027672, MeSH D009386, MONDO:0015356.

Submissions (2):

Color Diagnostics, LLC DBA Color Health
Classification: Uncertain significance for Hereditary cancer-predisposing syndrome. Last evaluated: 2023-12-04. Review status: criteria provided, single submitter. Criteria: ACMG Guidelines, 2015. Collection method: clinical testing. Allele origin: germline.
Comment: This missense variant replaces asparagine and isoleucine with threonine and phenylalanine at codon 1739 and 1740 of the ATM protein. To our knowledge, functional studies have not been reported for this variant. This variant has not been reported in individuals affected with hereditary cancer in the literature. This variant has not been identified in the general population by the Genome Aggregation Database (gnomAD). The available evidence is insufficient to determine the role of this variant in disease conclusively. Therefore, this variant is classified as a Variant of Uncertain Significance.

Ambry Genetics
Classification: Uncertain significance for Hereditary cancer-predisposing syndrome. Last evaluated: 2023-05-14. Review status: criteria provided, single submitter. Criteria: Ambry Variant Classification Scheme 2023. Collection method: clinical testing. Allele origin: germline.
Comment: The c.5216_5218delACAinsCCT variant (also known as p.N1739_I1740delinsTF), located in coding exon 34 of the ATM gene, results from an in-frame deletion of ACA and insertion of CCT at nucleotide positions 5216 to 5218. This results in the substitution of threonine and phenylalanine residues for asparagine and isoleucine residues at codon 1739 and 1740. This amino acid region is not well conserved in available vertebrate species. In addition, the in silico prediction for this alteration is inconclusive (Choi Y et al. PLoS ONE. 2012; 7(10):e46688). Since supporting evidence is limited at this time, the clinical significance of this alteration remains unclear.